The following is an entry in ClinVar:

ClinVar aggregate classification (germline): Likely benign (0 of 4 stars; one submission).

Conditions:
HNF1A-related disorder. Also called: HNF1A-related condition.

Allele frequency attached by ClinVar (database versions not stated): ExAC 0.00001; gnomAD 0.00001; gnomAD exomes 0.00001; ESP Exome Variant Server 0.00008.
gnomAD v4.1: 14 of 1,613,780 alleles (0.00087%); highest among the groups gnomAD compares: African/African-American, 0.0027%; no homozygotes.

Submission:

PreventionGenetics, part of Exact Sciences
Classification: Likely benign for HNF1A-related condition. Last evaluated: 2020-12-23. Review status: no assertion criteria provided. Collection method: clinical testing. Allele origin: germline.
Comment: This variant is classified as likely benign based on ACMG/AMP sequence variant interpretation guidelines (Richards et al. 2015 PMID: 25741868, with internal and published modifications).

NM_000545.8(HNF1A):c.1308C>T (p.Ile436=)

Gene: HNF1A (HNF1 homeobox A; plus strand). Cytogenetic location: 12q24.31.
Variant type: single nucleotide variant.
Coding change: c.1308C>T on transcript NM_000545.8 (MANE Select); coding-DNA position 1308, C replaced by T.
Protein change: p.Ile436=; no amino-acid change (isoleucine 436 retained).
Molecular consequence: synonymous variant.
Genome position (GRCh38, 1-based): chr12:120,996,741, C>T. VCF-style: chr12-120996741-C-T. GRCh37 (hg19) VCF-style: chr12-121434544-C-T.
Other names: c.1308C>T, p.Ile436= (NM_001306179.2, NM_001406915.1).
Identifiers: ClinVar variation 3029871 (VCV003029871.2), dbSNP rs371967197, ClinGen allele CA6831982.
Genomic context (GRCh38, chr12:120,996,741, plus strand): 5'-TGGTGAGCCTGCCTCCCTGGGTCCTACGTTCACCAACACAGGTGCCTCCACCCTGGTCAT[C>T]GGTAAGCTGGTGGGGATGGGTGGGCACCTGGGTGGGAGGCTCATGGGGCAACCGCAGAAT-3'
Protein context (NP_000536.6, residues 426-446): FTNTGASTLV[Ile436=]GLASTQAQSV